The following is an entry in ClinVar:

NM_001004334.4(GPR179):c.268_269delinsTA (p.Gly90Ter)

Gene: GPR179 (G protein-coupled receptor 179; minus strand). Cytogenetic location: 17q12.
Variant type: Indel.
Coding change: c.268_269delinsTA on transcript NM_001004334.4 (MANE Select); coding-DNA positions 268 to 269, GG replaced by TA.
Protein change: p.Gly90Ter; replaces glycine 90 with a stop codon.
Molecular consequence: nonsense.
Genome position (GRCh38, 1-based): chr17:38,343,521-38,343,522, CC replaced by TA on the plus strand (GG replaced by TA on the coding strand, the reverse complement: GPR179 is on the minus strand). VCF-style: chr17-38343521-CC-TA. GRCh37 (hg19) VCF-style: chr17-36499404-CC-TA.
Other names: short protein forms G90*.
Identifiers: ClinVar variation 3604920 (VCV003604920.3).

ClinVar aggregate classification (germline): Pathogenic/Likely pathogenic. Review status: criteria provided, multiple submitters, no conflicts (2 of 4 stars). 2 submissions from 2 submitters: Pathogenic (1); Likely pathogenic (1). Last evaluated 2024-08-20.

Conditions:
GPR179-related disorders.

Submissions (2):

Labcorp Genetics (formerly Invitae), Labcorp
Classification: Pathogenic. Last evaluated: 2024-08-20. Review status: criteria provided, single submitter. Criteria: Invitae Variant Classification Sherloc (09022015). Collection method: clinical testing. Allele origin: germline.
Comment: This sequence change creates a premature translational stop signal (p.Gly90*) in the GPR179 gene. It is expected to result in an absent or disrupted protein product. Loss-of-function variants in GPR179 are known to be pathogenic (PMID: 22325361, 22325362). This variant is present in population databases (no rsID available, gnomAD 0.001%). This variant has not been reported in the literature in individuals affected with GPR179-related conditions. For these reasons, this variant has been classified as Pathogenic.

Blueprint Genetics
Classification: Likely pathogenic for GPR179-related disorders. Last evaluated: 2022-06-10. Review status: criteria provided, single submitter. Criteria: ACMG Guidelines, 2015. Collection method: clinical testing. Allele origin: germline. Affected: yes. Observed: 1 variant allele.

Literature cited by the submitters: PubMed 22325361 (cited by Labcorp Genetics (formerly Invitae), Labcorp); PubMed 22325362 (cited by Labcorp Genetics (formerly Invitae), Labcorp).